The following is an entry in ClinVar:

ClinVar aggregate classification (germline): Uncertain significance (1 of 4 stars; one submission).

Submission:

Labcorp Genetics (formerly Invitae), Labcorp
Classification: Uncertain significance. Last evaluated: 2022-08-16. Review status: criteria provided, single submitter. Criteria: Invitae Variant Classification Sherloc (09022015). Collection method: clinical testing. Allele origin: germline.
Comment: In summary, the available evidence is currently insufficient to determine the role of this variant in disease. Therefore, it has been classified as a Variant of Uncertain Significance. Algorithms developed to predict the effect of missense changes on protein structure and function (SIFT, PolyPhen-2, Align-GVGD) all suggest that this variant is likely to be tolerated. This variant has not been reported in the literature in individuals affected with PGAP3-related conditions. This variant is not present in population databases (gnomAD no frequency). This sequence change replaces valine, which is neutral and non-polar, with alanine, which is neutral and non-polar, at codon 188 of the PGAP3 protein (p.Val188Ala).

NM_033419.5(PGAP3):c.563T>C (p.Val188Ala)

Gene: PGAP3 (post-GPI attachment to proteins phospholipase 3; minus strand). Cytogenetic location: 17q12.
Variant type: single nucleotide variant.
Coding change: c.563T>C on transcript NM_033419.5 (MANE Select); coding-DNA position 563, T replaced by C.
Protein change: p.Val188Ala; replaces valine 188 with alanine.
Molecular consequence: missense variant. On other transcripts: intron variant (3).
Genome position (GRCh38, 1-based): chr17:39,673,645, A>G on the plus strand (T>C on the coding strand, the complement: PGAP3 is on the minus strand). VCF-style: chr17-39673645-A-G. GRCh37 (hg19) VCF-style: chr17-37829898-A-G.
Other names: c.410T>C, p.Val137Ala (NM_001291726.2); c.500T>C, p.Val167Ala (NM_001291728.2); c.433-779T>C (NM_001291733.2); c.494+348T>C (NM_001291732.2); c.557+348T>C (NM_001291730.2); short protein forms V137A, V167A, V188A.
Identifiers: ClinVar variation 2118104 (VCV002118104.4), dbSNP rs2543763102, ClinGen allele CA399321584.